The following is an entry in ClinVar:

NM_014920.5(CILK1):c.84G>A (p.Glu28=)

Gene: CILK1 (ciliogenesis associated kinase 1; minus strand). Cytogenetic location: 6p12.1.
Variant type: single nucleotide variant.
Coding change: c.84G>A on transcript NM_014920.5 (MANE Select); coding-DNA position 84, G replaced by A.
Protein change: p.Glu28=; no amino-acid change (glutamic acid 28 retained).
Molecular consequence: synonymous variant. On other transcripts: non-coding transcript variant (1).
Genome position (GRCh38, 1-based): chr6:53,041,153, C>T on the plus strand (G>A on the coding strand, the complement: CILK1 is on the minus strand). VCF-style: chr6-53041153-C-T. GRCh37 (hg19) VCF-style: chr6-52905951-C-T.
Other names: c.84G>A, p.Glu28= (NM_001375397.1, NM_001375398.1, NM_001375399.1 and 4 more transcripts).
Identifiers: ClinVar variation 737045 (VCV000737045.11), dbSNP rs56194620, ClinGen allele CA3858902.

ClinVar aggregate classification (germline): Likely benign. Review status: criteria provided, multiple submitters, no conflicts (2 of 4 stars). 5 submissions from 5 submitters: Likely benign (5). Last evaluated 2026-01-20.

Conditions:
CILK1-related disorder. Also called: CILK1-related condition.

Allele frequency attached by ClinVar (database versions not stated): ExAC 0.00008; gnomAD 0.00010; gnomAD exomes 0.00010 and 0.00020; TOPMed 0.00013; ESP Exome Variant Server 0.00015.

Submissions (5):

Women's Health and Genetics/Laboratory Corporation of America, LabCorp
Classification: Likely benign. Last evaluated: 2026-01-20. Review status: criteria provided, single submitter. Criteria: LabCorp Variant Classification Summary - May 2015. Collection method: clinical testing. Allele origin: germline.
Comment: Variant summary: CILK1 c.84G>A alters a conserved nucleotide resulting in a synonymous change. Consensus agreement among computation tools predict no significant impact on normal splicing. However, these predictions have yet to be confirmed by functional studies. The variant allele was found at a frequency of 0.00011 in 1612444 control chromosomes in the gnomAD database, including 1 homozygote. This frequency is not significantly higher than estimated for disease-causing variants in CILK1, allowing no conclusion about variant significance. To our knowledge, no occurrence of c.84G>A in individuals affected with CILK1-related conditions and no experimental evidence demonstrating its impact on protein function have been reported. ClinVar contains an entry for this variant (Variation ID: 737045). Based on the evidence outlined above, the variant was classified as likely benign.

Labcorp Genetics (formerly Invitae), Labcorp
Classification: Likely benign. Last evaluated: 2025-12-15. Review status: criteria provided, single submitter. Criteria: Invitae Variant Classification Sherloc (09022015). Collection method: clinical testing. Allele origin: germline.

PreventionGenetics, part of Exact Sciences
Classification: Likely benign for CILK1-related condition. Last evaluated: 2024-11-15. Review status: criteria provided, single submitter. Criteria: ACMG Guidelines, 2015. Collection method: clinical testing. Allele origin: germline.
Comment: This variant is classified as likely benign based on ACMG/AMP sequence variant interpretation guidelines (Richards et al. 2015 PMID: 25741868, with internal and published modifications).

Blueprint Genetics
Classification: Likely benign. Last evaluated: 2023-11-22. Review status: criteria provided, single submitter. Criteria: ACMG Guidelines, 2015. Collection method: clinical testing. Allele origin: germline.

ARUP Laboratories, Molecular Genetics and Genomics, ARUP Laboratories
Classification: Likely benign. Last evaluated: 2022-12-22. Review status: criteria provided, single submitter. Criteria: ARUP Molecular Germline Variant Investigation Process 2024. Collection method: clinical testing. Allele origin: germline.